The following is an entry in ClinVar:

ClinVar aggregate classification (germline): Pathogenic (1 of 4 stars; one submission).

Conditions:
Snijders Blok-Campeau syndrome. Also called: INTELLECTUAL DEVELOPMENTAL DISORDER WITH MACROCEPHALY, SPEECH DELAY, AND DYSMORPHIC FACIES. Identifiers: Orphanet 599082, MedGen C4748701, MONDO:0032600, OMIM 618205.

Submission:

Victorian Clinical Genetics Services, Murdoch Childrens Research Institute
Classification: Pathogenic for Snijders Blok-Campeau syndrome. Last evaluated: 2021-05-06. Review status: criteria provided, single submitter. Criteria: ACMG Guidelines, 2015. Collection method: clinical testing. Allele origin: germline. Inheritance: Autosomal dominant inheritance. Affected: yes.
Comment: Based on the classification scheme VCGS_Germline_v1.3.4, this variant is classified as Pathogenic. Following criteria are met: 0103 - Loss of function and gain of function are known mechanisms of disease in this gene and are associated with Snijders Blok-Campeau syndrome (MIM#618205), however no clear genotype-phenotype correlations have been identified to determine how both overactivity and underactivity of CHD3 can result in the same phenotype (PMID: 32483341). (I) 0107 - This gene is associated with autosomal dominant disease. (I) 0200 - Variant is predicted to result in a missense amino acid change from leucine to phenylalanine. (I) 0251 - This variant is heterozygous. (I) 0301 - Variant is absent from gnomAD (both v2 and v3). (SP) 0501 - Missense variant consistently predicted to be damaging by multiple in silico tools or highly conserved with a major amino acid change. (SP) 0602 - Variant is located in a hotspot region or cluster of pathogenic variants in the helicase ATP-binding domain (PMID: 32483341). (SP) 0705 - No comparable missense variants have previous evidence for pathogenicity. (I) 0807 - This variant has no previous evidence of pathogenicity. (I) 0905 - No published segregation evidence has been identified for this variant. (I) 1007 - No published functional evidence has been identified for this variant. (I) 1102 - Strong phenotype match for this individual. (SP) Legend: (SP) - Supporting pathogenic, (I) - Information, (SB) - Supporting benign

Literature cited by the submitters: PubMed 32483341.

NM_001005273.3(CHD3):c.2785C>T (p.Leu929Phe)

Gene: CHD3 (chromodomain helicase DNA binding protein 3; plus strand). Cytogenetic location: 17p13.1.
Variant type: single nucleotide variant.
Coding change: c.2785C>T on transcript NM_001005273.3 (MANE Select); coding-DNA position 2785, C replaced by T.
Protein change: p.Leu929Phe; replaces leucine 929 with phenylalanine.
Molecular consequence: missense variant.
Genome position (GRCh38, 1-based): chr17:7,900,392, C>T. VCF-style: chr17-7900392-C-T. GRCh37 (hg19) VCF-style: chr17-7803710-C-T.
Other names: c.2962C>T, p.Leu988Phe (NM_001005271.3); c.2785C>T, p.Leu929Phe (NM_005852.4); short protein forms L929F, L988F.
Identifiers: ClinVar variation 2500710 (VCV002500710.2), dbSNP rs2544948127, ClinGen allele CA397940327.